The following is an entry in ClinVar:

ClinVar aggregate classification (germline): Likely pathogenic (1 of 4 stars; one submission).

Conditions:
GNE myopathy (NM). Also called: INCLUSION BODY MYOPATHY, HEREDITARY, AUTOSOMAL RECESSIVE; NONAKA DISTAL MYOPATHY; IBM 2; Inclusion body myopathy autosomal recessive; Inclusion body myopathy quadriceps sparing; INCLUSION BODY MYOPATHY 2, AUTOSOMAL RECESSIVE. Identifiers: Orphanet 602, MedGen C1853926, MONDO:0011603, OMIM 605820.

Submission:

Victorian Clinical Genetics Services, Murdoch Childrens Research Institute
Classification: Likely pathogenic for GNE myopathy. Last evaluated: 2024-10-09. Review status: criteria provided, single submitter. Criteria: ACMG Guidelines, 2015. Collection method: clinical testing. Allele origin: germline. Inheritance: Autosomal recessive inheritance. Affected: yes.
Comment: Based on the classification scheme VCGS_Germline_v1.3.4, this variant is classified as Likely pathogenic. Following criteria are met: 0102 - Loss of function is a known mechanism of disease in this gene and is associated with Nonaka myopathy (MIM#605820), sialuria (MIM#269921) and thrombocytopenia 12 with or without myopathy (MIM#620757). (I) 0108 - This gene is associated with both recessive and dominant disease. Variants associated with sialuria (MIM#2699210) are located at codons Arg263 and Arg266 (PMID: 23842869). (I) 0211 - Canonical splice site variant without proven consequence on splicing (no functional evidence available). (SP) 0251 - This variant is heterozygous. (I) 0301 - Variant is absent from gnomAD (both v2 and v3). (SP) 0505 - Abnormal splicing is predicted by in silico tools and affected nucleotide is highly conserved. (SP) 0704 - Another splice site variant comparable to the one identified in this case has limited previous evidence for pathogenicity. c.1634-1G>C has been identified in a compound heterozygous patient with GNE-myopathy (PMID: 32400752). (SP) 0807 - This variant has no previous evidence of pathogenicity. (I) 0905 - No published segregation evidence has been identified for this variant. (I) 1007 - No published functional evidence has been identified for this variant. (I) 1208 - Inheritance information for this variant is not currently available in this individual. (I) Legend: (SP) - Supporting pathogenic, (I) - Information, (SB) - Supporting benign

Literature cited by the submitters: PubMed 23842869; PubMed 32400752.

NM_005476.7(GNE):c.1634-1G>T

Gene: GNE (glucosamine (UDP-N-acetyl)-2-epimerase/N-acetylmannosamine kinase; minus strand). Cytogenetic location: 9p13.3.
Variant type: single nucleotide variant.
Coding change: c.1634-1G>T on transcript NM_005476.7 (MANE Select); the canonical splice acceptor site of the intron before coding-DNA position 1634, G replaced by T.
Molecular consequence: splice acceptor variant.
Genome position (GRCh38, 1-based): chr9:36,220,021, C>A on the plus strand (G>T on the coding strand, the complement: GNE is on the minus strand). VCF-style: chr9-36220021-C-A. GRCh37 (hg19) VCF-style: chr9-36220018-C-A.
Other names: c.1457-1G>T (NM_001190388.2, NM_001374798.1); c.1727-1G>T (NM_001128227.3); c.1304-1G>T (NM_001190384.3); c.1481-1G>T (NM_001374797.1); c.1412-1G>T (NM_001190383.3).
Identifiers: ClinVar variation 3377113 (VCV003377113.1).